The following is an entry in ClinVar:

ClinVar aggregate classification (germline): Likely pathogenic (1 of 4 stars; one submission).

Submission:

Labcorp Genetics (formerly Invitae), Labcorp
Classification: Likely pathogenic. Last evaluated: 2024-01-02. Review status: criteria provided, single submitter. Criteria: Invitae Variant Classification Sherloc (09022015). Collection method: clinical testing. Allele origin: germline.
Comment: This sequence change replaces leucine, which is neutral and non-polar, with proline, which is neutral and non-polar, at codon 20 of the BEST1 protein (p.Leu20Pro). This variant is not present in population databases (gnomAD no frequency). This missense change has been observed in individual(s) with clinical features of autosomal recessive BEST1-related conditions (Invitae). In at least one individual the data is consistent with being in trans (on the opposite chromosome) from a pathogenic variant. This variant has been reported in individual(s) with clinical features of autosomal dominant BEST1-related conditions (Invitae); however, the role of the variant in this condition is currently unclear. Advanced modeling of protein sequence and biophysical properties (such as structural, functional, and spatial information, amino acid conservation, physicochemical variation, residue mobility, and thermodynamic stability) performed at Invitae indicates that this missense variant is expected to disrupt BEST1 protein function with a positive predictive value of 95%. In summary, the currently available evidence indicates that the variant is pathogenic, but additional data are needed to prove that conclusively. Therefore, this variant has been classified as Likely Pathogenic.

NM_004183.4(BEST1):c.59T>C (p.Leu20Pro)

Gene: BEST1 (bestrophin 1; plus strand). Cytogenetic location: 11q12.3.
Variant type: single nucleotide variant.
Coding change: c.59T>C on transcript NM_004183.4 (MANE Select); coding-DNA position 59, T replaced by C.
Protein change: p.Leu20Pro; replaces leucine 20 with proline.
Molecular consequence: missense variant. On other transcripts: non-coding transcript variant (1), intron variant (6).
Genome position (GRCh38, 1-based): chr11:61,951,865, T>C. VCF-style: chr11-61951865-T-C. GRCh37 (hg19) VCF-style: chr11-61719337-T-C.
Other names: c.59T>C, p.Leu20Pro (NM_001363592.2, NM_001440571.1, NM_001440572.1 and 1 more transcripts); c.-29+1438T>C (NM_001139443.3, NM_001300787.2, NM_001440574.1 and 3 more transcripts); short protein forms L20P.
Identifiers: ClinVar variation 2752893 (VCV002752893.3), dbSNP rs2541332164, ClinGen allele CA380831399.
Genomic context (GRCh38, chr11:61,951,865, plus strand): 5'-CCATGACCATCACTTACACAAGCCAAGTGGCTAATGCCCGCTTAGGCTCCTTCTCCCGCC[T>C]GCTGCTGTGCTGGCGGGGCAGCATCTACAAGCTGCTATATGGCGAGTTCTTAATCTTCCT-3'
Protein context (NP_004174.1, residues 10-30): ANARLGSFSR[Leu20Pro]LLCWRGSIYK